The following is an entry in ClinVar:

ClinVar aggregate classification (germline): Uncertain significance (1 of 4 stars; one submission).

Allele frequency attached by ClinVar (database versions not stated): TOPMed 0.00001; gnomAD 0.00002.
gnomAD v4.1: 22 of 1,613,352 alleles (0.0014%); highest among the groups gnomAD compares: Admixed American, 0.0083%; no homozygotes.

Submission:

Labcorp Genetics (formerly Invitae), Labcorp
Classification: Uncertain significance. Last evaluated: 2025-09-08. Review status: criteria provided, single submitter. Criteria: Invitae Variant Classification Sherloc (09022015). Collection method: clinical testing. Allele origin: germline.
Comment: This sequence change replaces arginine, which is basic and polar, with cysteine, which is neutral and slightly polar, at codon 2186 of the CELSR2 protein (p.Arg2186Cys). This variant is present in population databases (rs780711008, gnomAD 0.009%). This variant has not been reported in the literature in individuals affected with CELSR2-related conditions. ClinVar contains an entry for this variant (Variation ID: 2976663). Invitae Evidence Modeling of protein sequence and biophysical properties (such as structural, functional, and spatial information, amino acid conservation, physicochemical variation, residue mobility, and thermodynamic stability) indicates that this missense variant is expected to disrupt CELSR2 protein function with a positive predictive value of 80%. In summary, the available evidence is currently insufficient to determine the role of this variant in disease. Therefore, it has been classified as a Variant of Uncertain Significance.

NM_001408.3(CELSR2):c.6556C>T (p.Arg2186Cys)

Gene: CELSR2 (cadherin EGF LAG seven-pass G-type receptor 2; plus strand). Cytogenetic location: 1p13.3.
Variant type: single nucleotide variant.
Coding change: c.6556C>T on transcript NM_001408.3 (MANE Select); coding-DNA position 6556, C replaced by T.
Protein change: p.Arg2186Cys; replaces arginine 2186 with cysteine.
Molecular consequence: missense variant.
Genome position (GRCh38, 1-based): chr1:109,268,933, C>T. VCF-style: chr1-109268933-C-T. GRCh37 (hg19) VCF-style: chr1-109811555-C-T.
Other names: short protein forms R2186C.
Identifiers: ClinVar variation 2976663 (VCV002976663.3), dbSNP rs780711008, ClinGen allele CA987923.